The following is an entry in ClinVar:

NM_020937.4(FANCM):c.3650A>C (p.His1217Pro)

Gene: FANCM (FA complementation group M; plus strand). Cytogenetic location: 14q21.2.
Variant type: single nucleotide variant.
Coding change: c.3650A>C on transcript NM_020937.4 (MANE Select); coding-DNA position 3650, A replaced by C.
Protein change: p.His1217Pro; replaces histidine 1217 with proline.
Molecular consequence: missense variant.
Genome position (GRCh38, 1-based): chr14:45,176,404, A>C. VCF-style: chr14-45176404-A-C. GRCh37 (hg19) VCF-style: chr14-45645607-A-C.
Other names: c.3572A>C, p.His1191Pro (NM_001308133.2); c.3650A>C (NM_020937.2); short protein forms H1191P, H1217P.
Identifiers: ClinVar variation 1006614 (VCV001006614.9), dbSNP rs762245674, ClinGen allele CA7169548.

ClinVar aggregate classification (germline): Uncertain significance. Review status: criteria provided, multiple submitters, no conflicts (2 of 4 stars). 2 submissions from 2 submitters: Uncertain significance (2). Last evaluated 2026-01-18.

Conditions:
Fanconi anemia (FA). Also called: Fanconi's anemia. Identifiers: Orphanet 84, MedGen C0015625, MeSH D005199, MONDO:0019391.
Inborn genetic diseases. Identifiers: MedGen C0950123, MeSH D030342.

Allele frequency attached by ClinVar (database versions not stated): ExAC 0.00002.
gnomAD v4.1: 20 of 1,613,086 alleles (0.0012%); highest among the groups gnomAD compares: Non-Finnish European, 0.0017%; no homozygotes.

Submissions (2):

Ambry Genetics
Classification: Uncertain significance for Inborn genetic diseases. Last evaluated: 2026-01-18. Review status: criteria provided, single submitter. Criteria: Ambry Variant Classification Scheme 2023. Collection method: clinical testing. Allele origin: germline.
Comment: The p.H1217P variant (also known as c.3650A>C), located in coding exon 14 of the FANCM gene, results from an A to C substitution at nucleotide position 3650. The histidine at codon 1217 is replaced by proline, an amino acid with similar properties. This amino acid position is conserved. In addition, this alteration is predicted to be tolerated by in silico analysis. Based on the available evidence, the clinical significance of this variant remains unclear.

Labcorp Genetics (formerly Invitae), Labcorp
Classification: Uncertain significance for Fanconi anemia. Last evaluated: 2022-02-20. Review status: criteria provided, single submitter. Criteria: Invitae Variant Classification Sherloc (09022015). Collection method: clinical testing. Allele origin: germline.
Comment: This sequence change replaces histidine, which is basic and polar, with proline, which is neutral and non-polar, at codon 1217 of the FANCM protein (p.His1217Pro). This variant has not been reported in the literature in individuals affected with FANCM-related conditions. This variant is present in population databases (rs762245674, gnomAD 0.002%). ClinVar contains an entry for this variant (Variation ID: 1006614). Algorithms developed to predict the effect of missense changes on protein structure and function (SIFT, PolyPhen-2, Align-GVGD) all suggest that this variant is likely to be tolerated. In summary, the available evidence is currently insufficient to determine the role of this variant in disease. Therefore, it has been classified as a Variant of Uncertain Significance.